The following is an entry in ClinVar:

ClinVar aggregate classification (germline): Likely benign (1 of 4 stars; one submission).

Allele frequency attached by ClinVar (database versions not stated): gnomAD exomes 0.00010; ExAC 0.00031; ESP Exome Variant Server 0.00109; gnomAD 0.00116; 1000 Genomes Project 30x 0.00359; 1000 Genomes Project 0.00479.
gnomAD v4.1: 319 of 1,584,058 alleles (0.02%); highest among the groups gnomAD compares: African/African-American, 0.33%; 36 homozygotes.

Submission:

CeGaT Center for Human Genetics Tuebingen
Classification: Likely benign. Last evaluated: 2023-10-01. Review status: criteria provided, single submitter. Criteria: CeGaT Center For Human Genetics Tuebingen Variant Classification Criteria Version 2. Collection method: clinical testing. Allele origin: germline. Affected: yes. Observed: 2 variant alleles.
Comment: AHNAK2: BP4, BP7, BS2

NM_138420.4(AHNAK2):c.5670G>A (p.Lys1890=)

Gene: AHNAK2 (AHNAK nucleoprotein 2; minus strand). Cytogenetic location: 14q32.33.
Variant type: single nucleotide variant.
Coding change: c.5670G>A on transcript NM_138420.4 (MANE Select); coding-DNA position 5670, G replaced by A.
Protein change: p.Lys1890=; no amino-acid change (lysine 1890 retained).
Molecular consequence: synonymous variant.
Genome position (GRCh38, 1-based): chr14:104,949,781, C>T on the plus strand (G>A on the coding strand, the complement: AHNAK2 is on the minus strand). VCF-style: chr14-104949781-C-T. GRCh37 (hg19) VCF-style: chr14-105416118-C-T.
Other names: c.5370G>A, p.Lys1790= (NM_001350929.2).
Identifiers: ClinVar variation 2644783 (VCV002644783.24), dbSNP rs371962152, ClinGen allele CA7381578.